The following is an entry in ClinVar:

NM_000137.4(FAH):c.411C>T (p.Val137=)

Gene: FAH (fumarylacetoacetate hydrolase; plus strand). Cytogenetic location: 15q25.1.
Variant type: single nucleotide variant.
Coding change: c.411C>T on transcript NM_000137.4 (MANE Select); coding-DNA position 411, C replaced by T.
Protein change: p.Val137=; no amino-acid change (valine 137 retained).
Molecular consequence: synonymous variant.
Genome position (GRCh38, 1-based): chr15:80,162,292, C>T. VCF-style: chr15-80162292-C-T. GRCh37 (hg19) VCF-style: chr15-80454634-C-T.
Other names: c.411C>T, p.Val137= (NM_001374377.1, NM_001374380.1).
Identifiers: ClinVar variation 517954 (VCV000517954.10), dbSNP rs757871102, ClinGen allele CA7691149.
Genomic context (GRCh38, chr15:80,162,292, plus strand): 5'-TCTTTCCTCTGCAGGAGACTACACAGACTTCTATTCCTCTCGGCAGCATGCTACCAACGT[C>T]GGAATCATGTTCAGGGACAAGGAGAATGCGTTGATGCCAAATTGGTATGAACTGGGCCAA-3'
Protein context (NP_000128.1, residues 127-147): FYSSRQHATN[Val137=]GIMFRDKENA

ClinVar aggregate classification (germline): Likely benign. Review status: criteria provided, multiple submitters, no conflicts (2 of 4 stars). 3 submissions from 3 submitters: Likely benign (2). 1 of the submissions does not count toward it. Last evaluated 2025-12-24.

Conditions:
Tyrosinemia type I (TYRSN1). Also called: FAH DEFICIENCY; HEPATORENAL TYROSINEMIA; Tyrosinemia type 1; Fumarylacetoacetase deficiency; Deficiency of fumarylacetoacetase. Identifiers: Orphanet 882, MedGen C0268490, MONDO:0010161, OMIM 276700. Disease mechanism: loss of function.

Allele frequency attached by ClinVar (database versions not stated): gnomAD exomes 0.00002; TOPMed 0.00002; ExAC 0.00003.
gnomAD v4.1: 31 of 1,614,200 alleles (0.0019%); highest among the groups gnomAD compares: East Asian, 0.0067%; no homozygotes.

Submissions (3):

Labcorp Genetics (formerly Invitae), Labcorp
Classification: Likely benign for Tyrosinemia type I. Last evaluated: 2025-12-24. Review status: criteria provided, single submitter. Criteria: Invitae Variant Classification Sherloc (09022015). Collection method: clinical testing. Allele origin: germline.

GeneDx
Classification: Likely benign. Last evaluated: 2017-06-21. Review status: criteria provided, single submitter. Criteria: GeneDx Variant Classification (06012015). Collection method: clinical testing. Allele origin: germline. Affected: yes.
Comment: This variant is considered likely benign or benign based on one or more of the following criteria: it is a conservative change, it occurs at a poorly conserved position in the protein, it is predicted to be benign by multiple in silico algorithms, and/or has population frequency not consistent with disease.

Natera, Inc.
Classification: Likely benign for Tyrosinemia type I. Last evaluated: 2020-09-16. Review status: no assertion criteria provided. Collection method: clinical testing. Allele origin: germline. Not counted in ClinVar's aggregate classification.